The following is an entry in ClinVar:

NM_004360.5(CDH1):c.2369C>A (p.Thr790Asn)

Gene: CDH1 (cadherin 1; plus strand). Cytogenetic location: 16q22.1.
Variant type: single nucleotide variant.
Coding change: c.2369C>A on transcript NM_004360.5 (MANE Select); coding-DNA position 2369, C replaced by A.
Protein change: p.Thr790Asn; replaces threonine 790 with asparagine.
Molecular consequence: missense variant.
Genome position (GRCh38, 1-based): chr16:68,829,727, C>A. VCF-style: chr16-68829727-C-A. GRCh37 (hg19) VCF-style: chr16-68863630-C-A.
Other names: c.2186C>A, p.Thr729Asn (NM_001317184.2); c.821C>A, p.Thr274Asn (NM_001317185.2); c.404C>A, p.Thr135Asn (NM_001317186.2); short protein forms T135N, T274N, T729N, T790N.
Identifiers: ClinVar variation 821162 (VCV000821162.5), dbSNP rs587780120, ClinGen allele CA396471086.

ClinVar aggregate classification (germline): Uncertain significance. Review status: criteria provided, multiple submitters, no conflicts (2 of 4 stars). 2 submissions from 2 submitters: Uncertain significance (2). Last evaluated 2023-07-26.

Conditions:
Familial cancer of breast. Also called: BREAST CANCER, FAMILIAL; Hereditary breast cancer; hereditary breast carcinoma. Identifiers: Orphanet 227535, MedGen C0346153, MONDO:0016419, OMIM 114480. Disease mechanism: loss of function.
Hereditary cancer-predisposing syndrome. Also called: Neoplastic Syndromes, Hereditary; Tumor predisposition; Hereditary Cancer Syndrome; Hereditary neoplastic syndrome. Identifiers: Orphanet 140162, MedGen C0027672, MeSH D009386, MONDO:0015356.

Submissions (2):

Baylor Genetics
Classification: Uncertain significance for Familial cancer of breast. Last evaluated: 2023-07-26. Review status: criteria provided, single submitter. Criteria: ACMG Guidelines, 2015. Collection method: clinical testing. Allele origin: unknown.

Ambry Genetics
Classification: Uncertain significance for Hereditary cancer-predisposing syndrome. Last evaluated: 2018-07-04. Review status: criteria provided, single submitter. Criteria: Ambry Variant Classification Scheme 2023. Collection method: clinical testing. Allele origin: germline.
Comment: The p.T790N variant (also known as c.2369C>A), located in coding exon 15 of the CDH1 gene, results from a C to A substitution at nucleotide position 2369. The threonine at codon 790 is replaced by asparagine, an amino acid with similar properties. This amino acid position is not well conserved in available vertebrate species. In addition, this alteration is predicted to be tolerated by in silico analysis. Since supporting evidence is limited at this time, the clinical significance of this alteration remains unclear.